The following is an entry in ClinVar:

NM_000530.8(MPZ):c.200G>C (p.Arg67Pro)

Gene: MPZ (myelin protein zero; minus strand). Cytogenetic location: 1q23.3.
Variant type: single nucleotide variant.
Coding change: c.200G>C on transcript NM_000530.8 (MANE Select); coding-DNA position 200, G replaced by C.
Protein change: p.Arg67Pro; replaces arginine 67 with proline.
Molecular consequence: missense variant.
Genome position (GRCh38, 1-based): chr1:161,307,292, C>G on the plus strand (G>C on the coding strand, the complement: MPZ is on the minus strand). VCF-style: chr1-161307292-C-G. GRCh37 (hg19) VCF-style: chr1-161277082-C-G.
Other names: c.200G>C (LRG_256t1); c.200G>C, p.Arg67Pro (NM_001315491.2); short protein forms R67P.
Identifiers: ClinVar variation 637325 (VCV000637325.6), dbSNP rs201720099, ClinGen allele CA343350549.

ClinVar aggregate classification (germline): Likely pathogenic. Review status: criteria provided, single submitter (1 of 4 stars). 2 submissions from 2 submitters: Likely pathogenic (1). 1 of the submissions does not count toward it. Last evaluated 2022-11-15.

Conditions:
Charcot-Marie-Tooth disease, type I (CMT1). Also called: Charcot-Marie-Tooth disease type 1; Charcot-Marie-Tooth, Type 1. Identifiers: Orphanet 65753, MedGen C0751036, MONDO:0019011.
Charcot-Marie-Tooth disease. Also called: Charcot-Marie-Tooth Hereditary Neuropathy; Charcot-Marie-Tooth Neuropathy. Identifiers: Orphanet 166, MedGen C0007959, MONDO:0015626.

Submissions (2):

Labcorp Genetics (formerly Invitae), Labcorp
Classification: Likely pathogenic for Charcot-Marie-Tooth disease, type I. Last evaluated: 2022-11-15. Review status: criteria provided, single submitter. Criteria: Invitae Variant Classification Sherloc (09022015). Collection method: clinical testing. Allele origin: germline.
Comment: Advanced modeling of protein sequence and biophysical properties (such as structural, functional, and spatial information, amino acid conservation, physicochemical variation, residue mobility, and thermodynamic stability) performed at Invitae indicates that this missense variant is not expected to disrupt MPZ protein function. In summary, the currently available evidence indicates that the variant is pathogenic, but additional data are needed to prove that conclusively. Therefore, this variant has been classified as Likely Pathogenic. This variant disrupts the p.Arg67 amino acid residue in MPZ. Other variant(s) that disrupt this residue have been observed in individuals with MPZ-related conditions (Invitae), which suggests that this may be a clinically significant amino acid residue. ClinVar contains an entry for this variant (Variation ID: 637325). This missense change has been observed in individual(s) with autosomal dominant Charcot-Marie-Tooth disease (PMID: 15642860). It has also been observed to segregate with disease in related individuals. This variant is not present in population databases (gnomAD no frequency). This sequence change replaces arginine, which is basic and polar, with proline, which is neutral and non-polar, at codon 67 of the MPZ protein (p.Arg67Pro).

Inherited Neuropathy Consortium
Classification: Uncertain significance for Charcot-Marie-Tooth disease. Review status: no assertion criteria provided. Collection method: literature only. Allele origin: germline. Affected: yes. Not counted in ClinVar's aggregate classification.

Literature cited by the submitters: PubMed 15642860 (cited by Labcorp Genetics (formerly Invitae), Labcorp and Inherited Neuropathy Consortium).